The following is an entry in ClinVar:

NM_015338.6(ASXL1):c.3232G>A (p.Asp1078Asn)

Gene: ASXL1 (ASXL transcriptional regulator 1; plus strand). Cytogenetic location: 20q11.21.
Variant type: single nucleotide variant.
Coding change: c.3232G>A on transcript NM_015338.6 (MANE Select); coding-DNA position 3232, G replaced by A.
Protein change: p.Asp1078Asn; replaces aspartic acid 1078 with asparagine.
Molecular consequence: missense variant.
Genome position (GRCh38, 1-based): chr20:32,435,944, G>A. VCF-style: chr20-32435944-G-A. GRCh37 (hg19) VCF-style: chr20-31023747-G-A.
Other names: c.3049G>A, p.Asp1017Asn (NM_001363734.1); short protein forms D1017N, D1078N.
Identifiers: ClinVar variation 3239158 (VCV003239158.19), dbSNP rs1416128377.
Genomic context (GRCh38, chr20:32,435,944, plus strand): 5'-GGGATGGTTGCTCCTCAGAGCTGGGTGTCTCGAGTATGTGCGGTCCGCCAAAAGATCCCA[G>A]ATTCCCTACTGCTGGCCAGTACTGAGTACCAGCCAAGAGCCGTGTGCCTGTCCATGCCTG-3'
Protein context (NP_056153.2, residues 1068-1088): RVCAVRQKIP[Asp1078Asn]SLLLASTEYQ

ClinVar aggregate classification (germline): Uncertain significance. Review status: criteria provided, multiple submitters, no conflicts (2 of 4 stars). 2 submissions from 2 submitters: Uncertain significance (2). Last evaluated 2026-03-13.

Conditions:
Inborn genetic diseases. Identifiers: MedGen C0950123, MeSH D030342.

Submissions (2):

Ambry Genetics
Classification: Uncertain significance for Inborn genetic diseases. Last evaluated: 2026-03-13. Review status: criteria provided, single submitter. Criteria: Ambry Variant Classification Scheme 2023. Collection method: clinical testing. Allele origin: germline.
Comment: The p.D1078N variant (also known as c.3232G>A), located in coding exon 13 of the ASXL1 gene, results from a G to A substitution at nucleotide position 3232. The aspartic acid at codon 1078 is replaced by asparagine, an amino acid with highly similar properties. This amino acid position is conserved. In addition, this alteration is predicted to be tolerated by in silico analysis. Based on the available evidence, the clinical significance of this variant remains unclear.

CeGaT Center for Human Genetics Tuebingen
Classification: Uncertain significance. Last evaluated: 2024-05-01. Review status: criteria provided, single submitter. Criteria: CeGaT Center For Human Genetics Tuebingen Variant Classification Criteria Version 2. Collection method: clinical testing. Allele origin: germline. Affected: yes. Observed: 1 variant allele.
Comment: ASXL1: PM2, BP4